The following is an entry in ClinVar:

ClinVar aggregate classification (germline): Likely pathogenic. Review status: criteria provided, single submitter (1 of 4 stars). 2 submissions from 2 submitters: Likely pathogenic (1). 1 of the submissions does not count toward it. Last evaluated 2025-02-23.

Conditions:
Trichorhinophalangeal syndrome, type III (TRPS3). Also called: SUGIO-KAJII SYNDROME. Identifiers: Orphanet 77258, MedGen C1860823, OMIM 190351, MONDO:0008597.
Trichorhinophalangeal dysplasia type I (TRPS1). Also called: TRPS I; TRICHORHINOPHALANGEAL SYNDROME, TYPE I. Identifiers: Orphanet 77258, MedGen C0432233, MONDO:0008596, OMIM 190350.

Submissions (2):

Labcorp Genetics (formerly Invitae), Labcorp
Classification: Likely pathogenic for Trichorhinophalangeal syndrome, type III; Trichorhinophalangeal dysplasia type I. Last evaluated: 2025-02-23. Review status: criteria provided, single submitter. Criteria: Invitae Variant Classification Sherloc (09022015). Collection method: clinical testing. Allele origin: germline.
Comment: This sequence change replaces arginine, which is basic and polar, with proline, which is neutral and non-polar, at codon 921 of the TRPS1 protein (p.Arg921Pro). This variant is not present in population databases (gnomAD no frequency). This missense change has been observed in individuals with clinical features of trichorhinophalangeal syndrome (PMID: 8209886, 11112658; internal data). ClinVar contains an entry for this variant (Variation ID: 438464). Invitae Evidence Modeling of protein sequence and biophysical properties (such as structural, functional, and spatial information, amino acid conservation, physicochemical variation, residue mobility, and thermodynamic stability) indicates that this missense variant is expected to disrupt TRPS1 protein function with a positive predictive value of 80%. This variant disrupts the p.Arg921 amino acid residue in TRPS1. Other variant(s) that disrupt this residue have been determined to be pathogenic (PMID: 11112658, 11807863, 27826100; internal data). This suggests that this residue is clinically significant, and that variants that disrupt this residue are likely to be disease-causing. In summary, the currently available evidence indicates that the variant is pathogenic, but additional data are needed to prove that conclusively. Therefore, this variant has been classified as Likely Pathogenic.

GeneReviews
No classification provided. Condition: Trichorhinophalangeal dysplasia type I. Review status: no classification provided. Collection method: literature only. Allele origin: germline. Not counted in ClinVar's aggregate classification.

Literature cited by the submitters: PubMed 8209886 (cited by Labcorp Genetics (formerly Invitae), Labcorp); PubMed 11112658 (cited by Labcorp Genetics (formerly Invitae), Labcorp); PubMed 11807863 (cited by Labcorp Genetics (formerly Invitae), Labcorp); PubMed 27826100 (cited by Labcorp Genetics (formerly Invitae), Labcorp); PubMed 25792522 (cited by GeneReviews); NCBI Bookshelf NBK425926 (cited by GeneReviews).

NM_014112.5(TRPS1):c.2762G>C (p.Arg921Pro)

Gene: TRPS1 (transcriptional repressor GATA binding 1; minus strand). Cytogenetic location: 8q23.3.
Variant type: single nucleotide variant.
Coding change: c.2762G>C on transcript NM_014112.5 (MANE Select); coding-DNA position 2762, G replaced by C.
Protein change: p.Arg921Pro; replaces arginine 921 with proline.
Molecular consequence: missense variant.
Genome position (GRCh38, 1-based): chr8:115,418,391, C>G on the plus strand (G>C on the coding strand, the complement: TRPS1 is on the minus strand). VCF-style: chr8-115418391-C-G. GRCh37 (hg19) VCF-style: chr8-116430619-C-G.
Other names: c.2735G>C, p.Arg912Pro (NM_001282902.3); c.2741G>C, p.Arg914Pro (NM_001282903.3); c.2723G>C, p.Arg908Pro (NM_001330599.2); short protein forms R921P, R914P, R912P, R908P.
Identifiers: ClinVar variation 438464 (VCV000438464.4), dbSNP rs121908435, ClinGen allele CA372064303.